The following is an entry in ClinVar:

NM_000465.4(BARD1):c.150C>A (p.Cys50Ter)

Gene: BARD1 (BRCA1 associated RING domain 1; minus strand). Cytogenetic location: 2q35.
Variant type: single nucleotide variant.
Coding change: c.150C>A on transcript NM_000465.4 (MANE Select); coding-DNA position 150, C replaced by A.
Protein change: p.Cys50Ter; replaces cysteine 50 with a stop codon.
Molecular consequence: nonsense. On other transcripts: non-coding transcript variant (3).
Genome position (GRCh38, 1-based): chr2:214,809,420, G>T on the plus strand (C>A on the coding strand, the complement: BARD1 is on the minus strand). VCF-style: chr2-214809420-G-T. GRCh37 (hg19) VCF-style: chr2-215674144-G-T.
Other names: c.150C>A, p.Cys50Ter (NM_001282548.2, NM_001282549.2, NM_001282543.2 and 1 more transcripts); short protein forms C50*.
Identifiers: ClinVar variation 2584301 (VCV002584301.2), dbSNP rs2106170807, ClinGen allele CA350464759.

ClinVar aggregate classification (germline): Pathogenic (1 of 4 stars; one submission).

Conditions:
Familial cancer of breast. Also called: BREAST CANCER, FAMILIAL; hereditary breast carcinoma; Hereditary breast cancer. Identifiers: Orphanet 227535, MedGen C0346153, MONDO:0016419, OMIM 114480. Disease mechanism: loss of function.

Submission:

Myriad Genetics, Inc.
Classification: Pathogenic for Familial cancer of breast. Last evaluated: 2023-05-18. Review status: criteria provided, single submitter. Criteria: Myriad Autosomal Dominant, Autosomal Recessive and X-Linked Classification Criteria (2023). Collection method: clinical testing. Allele origin: unknown.
Comment: This variant is considered pathogenic. This variant creates a termination codon and is predicted to result in premature protein truncation.